The following is an entry in ClinVar:

NM_000760.4(CSF3R):c.726C>T (p.Ala242=)

Gene: CSF3R (colony stimulating factor 3 receptor; minus strand). Cytogenetic location: 1p34.3.
Variant type: single nucleotide variant.
Coding change: c.726C>T on transcript NM_000760.4 (MANE Select); coding-DNA position 726, C replaced by T.
Protein change: p.Ala242=; no amino-acid change (alanine 242 retained).
Molecular consequence: synonymous variant.
Genome position (GRCh38, 1-based): chr1:36,472,634, G>A on the plus strand (C>T on the coding strand, the complement: CSF3R is on the minus strand). VCF-style: chr1-36472634-G-A. GRCh37 (hg19) VCF-style: chr1-36938235-G-A.
Other names: p.Ala242=; c.726C>T, p.Ala242= (LRG_144t1, NM_156039.3, NM_172313.3).
Identifiers: ClinVar variation 256795 (VCV000256795.15), dbSNP rs3918017, ClinGen allele CA769396.

ClinVar aggregate classification (germline): Benign/Likely benign. Review status: criteria provided, multiple submitters, no conflicts (2 of 4 stars). 6 submissions from 6 submitters: Benign (5); Likely benign (1). Last evaluated 2026-02-04.

Conditions:
Autosomal recessive severe congenital neutropenia due to CSF3R deficiency. Also called: Neutropenia, severe congenital, 7, autosomal recessive. Identifiers: Orphanet 420702, MedGen C4310764, MONDO:0014865, OMIM 617014.

Allele frequency attached by ClinVar (database versions not stated): 1000 Genomes Project 30x 0.00734; 1000 Genomes Project 0.00739; gnomAD 0.01306 and 0.01333; ESP Exome Variant Server 0.01312; ExAC 0.01337; TOPMed 0.01459.
gnomAD v4.1: 25,659 of 1,611,898 alleles (1.6%); highest among the groups gnomAD compares: Middle Eastern, 1.9%; 290 homozygotes.

Submissions (6):

Labcorp Genetics (formerly Invitae), Labcorp
Classification: Benign for Autosomal recessive severe congenital neutropenia due to CSF3R deficiency. Last evaluated: 2026-02-04. Review status: criteria provided, single submitter. Criteria: Invitae Variant Classification Sherloc (09022015). Collection method: clinical testing. Allele origin: germline.

Women's Health and Genetics/Laboratory Corporation of America, LabCorp
Classification: Benign. Last evaluated: 2026-01-22. Review status: criteria provided, single submitter. Criteria: LabCorp Variant Classification Summary - May 2015. Collection method: clinical testing. Allele origin: germline.

Blueprint Genetics
Classification: Likely benign. Last evaluated: 2024-11-26. Review status: criteria provided, single submitter. Criteria: ACMG Guidelines, 2015. Collection method: clinical testing. Allele origin: germline.

Mayo Clinic Laboratories, Mayo Clinic
Classification: Benign. Last evaluated: 2024-07-26. Review status: criteria provided, single submitter. Criteria: ACMG Guidelines, 2015. Collection method: clinical testing. Allele origin: germline. Observed: 33 variant alleles.
Comment: BS1, BS2, BP4, BP7

Breakthrough Genomics
Classification: Benign. Review status: criteria provided, single submitter. Criteria: ACMG Guidelines, 2015. Collection method: not provided. Allele origin: germline. Inheritance: Autosomal recessive inheritance. Affected: yes.

PreventionGenetics, part of Exact Sciences
Classification: Benign. Review status: criteria provided, single submitter. Criteria: ACMG Guidelines, 2015. Collection method: clinical testing. Allele origin: germline.

Literature cited by the submitters: PubMed 23896413 (cited by Women's Health and Genetics/Laboratory Corporation of America, LabCorp); PubMed 28302714 (cited by Women's Health and Genetics/Laboratory Corporation of America, LabCorp); PubMed 24627528 (cited by Women's Health and Genetics/Laboratory Corporation of America, LabCorp); PubMed 23656643 (cited by Women's Health and Genetics/Laboratory Corporation of America, LabCorp); PubMed 23604229 (cited by Women's Health and Genetics/Laboratory Corporation of America, LabCorp); PubMed 27069254 (cited by Women's Health and Genetics/Laboratory Corporation of America, LabCorp).